The following is an entry in ClinVar:

ClinVar aggregate classification (germline): Conflicting classifications of pathogenicity. Review status: criteria provided, conflicting classifications (1 of 4 stars). 3 submissions from 3 submitters: Uncertain significance (1); Likely benign (1). 1 of the submissions does not count toward it. Last evaluated 2026-01-16.

Conditions:
Nemaline myopathy 2 (NEM2). Also called: Nemaline myopathy 2, autosomal recessive. Identifiers: MedGen C1850569, MONDO:0009725, OMIM 256030.

Allele frequency attached by ClinVar (database versions not stated): TOPMed 0.00002.
gnomAD v4.1: 74 of 1,613,444 alleles (0.0046%); highest among the groups gnomAD compares: Middle Eastern, 0.016%; no homozygotes.

Submissions (3):

Labcorp Genetics (formerly Invitae), Labcorp
Classification: Likely benign for Nemaline myopathy 2. Last evaluated: 2026-01-16. Review status: criteria provided, single submitter. Criteria: Invitae Variant Classification Sherloc (09022015). Collection method: clinical testing. Allele origin: germline.

GeneDx
Classification: Uncertain significance. Last evaluated: 2023-10-26. Review status: criteria provided, single submitter. Criteria: GeneDx Variant Classification Process June 2021. Collection method: clinical testing. Allele origin: germline. Affected: yes.
Comment: In silico analysis supports that this missense variant has a deleterious effect on protein structure/function; Has not been previously published as pathogenic or benign to our knowledge

Natera, Inc.
Classification: Uncertain significance for Nemaline myopathy type 2. Last evaluated: 2019-11-11. Review status: no assertion criteria provided. Collection method: clinical testing. Allele origin: germline. Not counted in ClinVar's aggregate classification.

NM_001164508.2(NEB):c.19912C>T (p.Arg6638Trp)

Gene: NEB (nebulin; minus strand). Cytogenetic location: 2q23.3.
Variant type: single nucleotide variant.
Coding change: c.19912C>T on transcript NM_001164508.2 (MANE Select); coding-DNA position 19912, C replaced by T.
Protein change: p.Arg6638Trp; replaces arginine 6638 with tryptophan.
Molecular consequence: missense variant.
Genome position (GRCh38, 1-based): chr2:151,551,770, G>A on the plus strand (C>T on the coding strand, the complement: NEB is on the minus strand). VCF-style: chr2-151551770-G-A. GRCh37 (hg19) VCF-style: chr2-152408284-G-A.
Other names: c.19912C>T, p.Arg6638Trp (NM_001164507.2, NM_001271208.2); c.14809C>T, p.Arg4937Trp (NM_004543.5); short protein forms R4937W, R6638W.
Identifiers: ClinVar variation 965591 (VCV000965591.11), dbSNP rs771483221, ClinGen allele CA1907499.
Genomic context (GRCh38, chr2:151,551,770, plus strand): 5'-TGGGCACTCTCAAGTTCTCACTGCTCACCGAACTCTGGAGCTTGTATGCATGAAGGGCCC[G>A]GTCCAGATCCACGGTTTTGGTAGTTGGAGCCACTTTGCCTCTGACACTGTGCACATAGTC-3'
Protein context (NP_001157980.2, residues 6628-6648): APTTKTVDLD[Arg6638Trp]ALHAYKLQSS